The following is an entry in ClinVar:

NM_000138.5(FBN1):c.6497-3C>G

Gene: FBN1 (fibrillin 1; minus strand). Cytogenetic location: 15q21.1.
Variant type: single nucleotide variant.
Coding change: c.6497-3C>G on transcript NM_000138.5 (MANE Select); 3 bases into the intron before coding-DNA position 6497, C replaced by G.
Molecular consequence: intron variant.
Genome position (GRCh38, 1-based): chr15:48,434,716, G>C on the plus strand (C>G on the coding strand, the complement: FBN1 is on the minus strand). VCF-style: chr15-48434716-G-C. GRCh37 (hg19) VCF-style: chr15-48726913-G-C.
Other names: c.6497-3C>G (NM_000138.4).
Identifiers: ClinVar variation 1478182 (VCV001478182.7), dbSNP rs2141237196, ClinGen allele CA2573150923.

ClinVar aggregate classification (germline): Uncertain significance. Review status: criteria provided, multiple submitters, no conflicts (2 of 4 stars). 2 submissions from 2 submitters: Uncertain significance (2). Last evaluated 2025-05-09.

Conditions:
Marfan syndrome (MFS). Also called: MARFAN SYNDROME, TYPE I; Marfan syndrome type 1; Marfan's syndrome; Marfan syndrome, classic; FBN1-Related Marfan Syndrome. Identifiers: Orphanet 284963, Orphanet 558, MedGen C0024796, MONDO:0007947, OMIM 154700.
Familial thoracic aortic aneurysm and aortic dissection (TAAD). Also called: Thoracic aortic aneurysms and dissections. Identifiers: Orphanet 91387, MedGen C4707243, MONDO:0019625.

Submissions (2):

Ambry Genetics
Classification: Uncertain significance for Familial thoracic aortic aneurysm and aortic dissection. Last evaluated: 2025-05-09. Review status: criteria provided, single submitter. Criteria: Ambry Variant Classification Scheme 2023. Collection method: clinical testing. Allele origin: germline.
Comment: The c.6497-3C>G intronic variant results from a C to G substitution 3 nucleotides upstream from coding exon 53 in the FBN1 gene. This variant was reported in individual(s) with features consistent with Marfan syndrome (Ambry internal data). This nucleotide position is well conserved in available vertebrate species. In silico splice site analysis predicts that this alteration will weaken the native splice acceptor site. Based on the available evidence, the clinical significance of this variant remains unclear.

Labcorp Genetics (formerly Invitae), Labcorp
Classification: Uncertain significance for Marfan syndrome; Familial thoracic aortic aneurysm and aortic dissection. Last evaluated: 2023-10-14. Review status: criteria provided, single submitter. Criteria: Invitae Variant Classification Sherloc (09022015). Collection method: clinical testing. Allele origin: germline.
Comment: This sequence change falls in intron 53 of the FBN1 gene. It does not directly change the encoded amino acid sequence of the FBN1 protein. It affects a nucleotide within the consensus splice site. This variant is not present in population databases (gnomAD no frequency). This variant has been observed in individual(s) with clinical features of FBN1-related conditions (Invitae). ClinVar contains an entry for this variant (Variation ID: 1478182). Variants that disrupt the consensus splice site are a relatively common cause of aberrant splicing (PMID: 17576681, 9536098). Algorithms developed to predict the effect of sequence changes on RNA splicing suggest that this variant may disrupt the consensus splice site. In summary, the available evidence is currently insufficient to determine the role of this variant in disease. Therefore, it has been classified as a Variant of Uncertain Significance.

Literature cited by the submitters: PubMed 17576681 (cited by Labcorp Genetics (formerly Invitae), Labcorp); PubMed 9536098 (cited by Labcorp Genetics (formerly Invitae), Labcorp).